The following is an entry in ClinVar:

ClinVar aggregate classification (germline): Uncertain significance (1 of 4 stars; one submission).

Submission:

Mayo Clinic Laboratories, Mayo Clinic
Classification: Uncertain significance. Last evaluated: 2025-09-28. Review status: criteria provided, single submitter. Criteria: ACMG Guidelines, 2015. Collection method: clinical testing. Allele origin: germline. Observed: 1 variant allele.
Comment: PP2, PM2_supporting

NM_002067.5(GNA11):c.218G>A (p.Arg73His)

Gene: GNA11 (G protein subunit alpha 11; plus strand). Cytogenetic location: 19p13.3.
Variant type: single nucleotide variant.
Coding change: c.218G>A on transcript NM_002067.5 (MANE Select); coding-DNA position 218, G replaced by A.
Protein change: p.Arg73His; replaces arginine 73 with histidine.
Molecular consequence: missense variant.
Genome position (GRCh38, 1-based): chr19:3,110,230, G>A. VCF-style: chr19-3110230-G-A. GRCh37 (hg19) VCF-style: chr19-3110228-G-A.
Other names: p.Arg73His; short protein forms R73H.
Identifiers: ClinVar variation 4542287 (VCV004542287.1).